The following is an entry in ClinVar:

NM_000037.4(ANK1):c.876G>A (p.Leu292=)

Gene: ANK1 (ankyrin 1; minus strand). Cytogenetic location: 8p11.21.
Variant type: single nucleotide variant.
Coding change: c.876G>A on transcript NM_000037.4 (MANE Select); coding-DNA position 876, G replaced by A.
Protein change: p.Leu292=; no amino-acid change (leucine 292 retained).
Molecular consequence: synonymous variant.
Genome position (GRCh38, 1-based): chr8:41,723,158, C>T on the plus strand (G>A on the coding strand, the complement: ANK1 is on the minus strand). VCF-style: chr8-41723158-C-T. GRCh37 (hg19) VCF-style: chr8-41580676-C-T.
Other names: p.Leu292=; c.876G>A (NM_020476.2); c.975G>A, p.Leu325= (NM_001142446.2); c.876G>A, p.Leu292= (NM_020475.3, NM_020476.3, NM_020477.3).
Identifiers: ClinVar variation 363041 (VCV000363041.14), dbSNP rs373060967, ClinGen allele CA4728820.

ClinVar aggregate classification (germline): Conflicting classifications of pathogenicity. Review status: criteria provided, conflicting classifications (1 of 4 stars). 5 submissions from 4 submitters: Uncertain significance (2); Likely benign (2). 1 of the submissions does not count toward it. Last evaluated 2025-02-19.

Conditions:
Hereditary spherocytosis type 1. Also called: Spherocytosis type 1; ANK1-Related Spherocytosis. Identifiers: Orphanet 822, MedGen C2674218, MONDO:0008447, OMIM 182900.
Spherocytosis. Identifiers: MedGen C0553720, HP:0004444.
ANK1-related disorder. Also called: ANK1-related condition.

Allele frequency attached by ClinVar (database versions not stated): 1000 Genomes Project 30x 0.00016; 1000 Genomes Project 0.00020; TOPMed 0.00023; gnomAD 0.00026; gnomAD exomes 0.00036; ExAC 0.00042; ESP Exome Variant Server 0.00054.
gnomAD v4.1: 880 of 1,614,156 alleles (0.055%); highest among the groups gnomAD compares: Non-Finnish European, 0.069%; 2 homozygotes.

Submissions (5):

Mayo Clinic Laboratories, Mayo Clinic
Classification: Likely benign. Last evaluated: 2025-02-19. Review status: criteria provided, single submitter. Criteria: ACMG Guidelines, 2015. Collection method: clinical testing. Allele origin: germline. Observed: 1 variant allele.
Comment: BP4, BP7

Labcorp Genetics (formerly Invitae), Labcorp
Classification: Likely benign. Last evaluated: 2024-03-07. Review status: criteria provided, single submitter. Criteria: Invitae Variant Classification Sherloc (09022015). Collection method: clinical testing. Allele origin: germline.

Illumina Laboratory Services, Illumina
Classification: Uncertain significance for Hereditary spherocytosis type 1. Last evaluated: 2018-01-12. Review status: criteria provided, single submitter. Criteria: ICSL Variant Classification Criteria 13 December 2019. Collection method: clinical testing. Allele origin: germline.

Illumina Laboratory Services, Illumina
Classification: Uncertain significance for Spherocytosis. Last evaluated: 2018-01-12. Review status: criteria provided, single submitter. Criteria: ICSL Variant Classification Criteria 13 December 2019. Collection method: clinical testing. Allele origin: germline.

PreventionGenetics, part of Exact Sciences
Classification: Likely benign for ANK1-related condition. Last evaluated: 2019-09-20. Review status: no assertion criteria provided. Collection method: clinical testing. Allele origin: germline. Not counted in ClinVar's aggregate classification.
Comment: This variant is classified as likely benign based on ACMG/AMP sequence variant interpretation guidelines (Richards et al. 2015 PMID: 25741868, with internal and published modifications).